The following is an entry in ClinVar:

NM_138376.3(TTC5):c.695C>T (p.Thr232Met)

Gene: TTC5 (tetratricopeptide repeat domain 5; minus strand). Cytogenetic location: 14q11.2.
Variant type: single nucleotide variant.
Coding change: c.695C>T on transcript NM_138376.3 (MANE Select); coding-DNA position 695, C replaced by T.
Protein change: p.Thr232Met; replaces threonine 232 with methionine.
Molecular consequence: missense variant.
Genome position (GRCh38, 1-based): chr14:20,296,391, G>A on the plus strand (C>T on the coding strand, the complement: TTC5 is on the minus strand). VCF-style: chr14-20296391-G-A. GRCh37 (hg19) VCF-style: chr14-20764550-G-A.
Other names: short protein forms T232M.
Identifiers: ClinVar variation 1700463 (VCV001700463.3), dbSNP rs150011121, ClinGen allele CA7076961.

ClinVar aggregate classification (germline): Uncertain significance. Review status: criteria provided, multiple submitters, no conflicts (2 of 4 stars). 2 submissions from 2 submitters: Uncertain significance (2). Last evaluated 2025-11-04.

Allele frequency attached by ClinVar (database versions not stated): 1000 Genomes Project 30x 0.00078; gnomAD exomes 0.00003 and 0.00006; TOPMed 0.00020; 1000 Genomes Project 0.00060; ExAC 0.00008; gnomAD 0.00014; ESP Exome Variant Server 0.00023.
gnomAD v4.1: 68 of 1,611,756 alleles (0.0042%); highest among the groups gnomAD compares: Middle Eastern, 0.083%; 2 homozygotes.

Submissions (2):

Ambry Genetics
Classification: Uncertain significance. Last evaluated: 2025-11-04. Review status: criteria provided, single submitter. Criteria: Ambry Variant Classification Scheme 2023. Collection method: clinical testing. Allele origin: germline.

GeneDx
Classification: Uncertain significance. Last evaluated: 2022-01-25. Review status: criteria provided, single submitter. Criteria: GeneDx Variant Classification Process June 2021. Collection method: clinical testing. Allele origin: germline. Affected: yes.
Comment: In silico analysis supports that this missense variant does not alter protein structure/function; Has not been previously reported as a pathogenic or benign germline variant to our knowledge; This variant is associated with the following publications: (PMID: 22996961)